The following is an entry in ClinVar:

NM_015937.6(PIGT):c.626G>A (p.Arg209His)

Gene: PIGT (phosphatidylinositol glycan anchor biosynthesis class T; plus strand). Cytogenetic location: 20q13.12.
Variant type: single nucleotide variant.
Coding change: c.626G>A on transcript NM_015937.6 (MANE Select); coding-DNA position 626, G replaced by A.
Protein change: p.Arg209His; replaces arginine 209 with histidine.
Molecular consequence: missense variant. On other transcripts: non-coding transcript variant (5).
Genome position (GRCh38, 1-based): chr20:45,419,535, G>A. VCF-style: chr20-45419535-G-A. GRCh37 (hg19) VCF-style: chr20-44048175-G-A.
Other names: c.458G>A, p.Arg153His (NM_001184728.3); c.626G>A, p.Arg209His (NM_001184729.3); c.320G>A, p.Arg107His (NM_001184730.3); c.626G>A (NM_015937.5); short protein forms R107H, R153H, R209H.
Identifiers: ClinVar variation 2224894 (VCV002224894.4), dbSNP rs143235179, ClinGen allele CA9877985.
Genomic context (GRCh38, chr20:45,419,535, plus strand): 5'-CTTCTCTTATCTCTTTCCATCTCCTCCAGGCAGGCCTCTCTGTGCTGCTGAAGGCAGATC[G>A]CTTGTTCCACACCAGCTACCACTCCCAGGCAGTGCATATCCGCCCTGTTTGCAGAGTAAG-3'
Protein context (NP_057021.2, residues 199-219): AGLSVLLKAD[Arg209His]LFHTSYHSQA

ClinVar aggregate classification (germline): Uncertain significance. Review status: criteria provided, multiple submitters, no conflicts (2 of 4 stars). 2 submissions from 2 submitters: Uncertain significance (2). Last evaluated 2025-04-28.

Conditions:
Inborn genetic diseases. Identifiers: MedGen C0950123, MeSH D030342.

Allele frequency attached by ClinVar (database versions not stated): ExAC 0.00005; ESP Exome Variant Server 0.00031; gnomAD exomes 0.00002; TOPMed 0.00012; gnomAD 0.00010.
gnomAD v4.1: 43 of 1,614,142 alleles (0.0027%); highest among the groups gnomAD compares: African/African-American, 0.048%; no homozygotes.

Submissions (2):

Ambry Genetics
Classification: Uncertain significance for Inborn genetic diseases. Last evaluated: 2025-04-28. Review status: criteria provided, single submitter. Criteria: Ambry Variant Classification Scheme 2023. Collection method: clinical testing. Allele origin: germline.

GeneDx
Classification: Uncertain significance. Last evaluated: 2024-10-23. Review status: criteria provided, single submitter. Criteria: GeneDx Variant Classification Process June 2021. Collection method: clinical testing. Allele origin: germline. Affected: yes.
Comment: In silico analysis indicates that this missense variant does not alter protein structure/function; Has not been previously published as pathogenic or benign to our knowledge